The following is an entry in ClinVar:

NM_000038.6(APC):c.5240T>C (p.Met1747Thr)

Gene: APC (APC regulator of Wnt signaling pathway; plus strand). Cytogenetic location: 5q22.2.
Variant type: single nucleotide variant.
Coding change: c.5240T>C on transcript NM_000038.6 (MANE Select); coding-DNA position 5240, T replaced by C.
Protein change: p.Met1747Thr; replaces methionine 1747 with threonine.
Molecular consequence: missense variant.
Genome position (GRCh38, 1-based): chr5:112,840,834, T>C. VCF-style: chr5-112840834-T-C. GRCh37 (hg19) VCF-style: chr5-112176531-T-C.
Other names: c.5240T>C, p.Met1747Thr (NM_001127510.3, NM_001354895.2); c.5186T>C, p.Met1729Thr (NM_001127511.3); c.5294T>C, p.Met1765Thr (NM_001354896.2); c.5270T>C, p.Met1757Thr (NM_001354897.2); c.5165T>C, p.Met1722Thr (NM_001354898.2); c.5156T>C, p.Met1719Thr (NM_001354899.2); c.5117T>C, p.Met1706Thr (NM_001354900.2); c.5063T>C, p.Met1688Thr (NM_001354901.2); and 5 more; short protein forms M1729T, M1747T, M1646T, M1719T, M1464T, M1587T, M1706T, M1656T.
Identifiers: ClinVar variation 221112 (VCV000221112.22), dbSNP rs864622751, ClinGen allele CA348841.
Genomic context (GRCh38, chr5:112,840,834, plus strand): 5'-GCATTAATTCTGCTATGCCCAAAGGGAAAAGTCACAAGCCTTTCCGTGTGAAAAAGATAA[T>C]GGACCAGGTCCAGCAAGCATCTGCGTCTTCTTCTGCACCCAACAAAAATCAGTTAGATGG-3'
Protein context (NP_000029.2, residues 1737-1757): SHKPFRVKKI[Met1747Thr]DQVQQASASS

ClinVar aggregate classification (germline): Uncertain significance. Review status: criteria provided, multiple submitters, no conflicts (2 of 4 stars). 6 submissions from 6 submitters: Uncertain significance (5). 1 of the submissions does not count toward it. Last evaluated 2025-11-24.

Conditions:
Classic or attenuated familial adenomatous polyposis. Identifiers: MedGen CN372698, MONDO:0021057.
Hereditary cancer-predisposing syndrome. Also called: Hereditary neoplastic syndrome; Tumor predisposition; Hereditary Cancer Syndrome; Neoplastic Syndromes, Hereditary. Identifiers: Orphanet 140162, MedGen C0027672, MeSH D009386, MONDO:0015356.
Familial adenomatous polyposis 1 (FAP1). Also called: FAMILIAL ADENOMATOUS POLYPOSIS 1, ATTENUATED; POLYPOSIS, ADENOMATOUS INTESTINAL. Identifiers: MedGen C2713442, MONDO:0021056, OMIM 175100. Disease mechanism: loss of function.

Allele frequency attached by ClinVar (database versions not stated): gnomAD exomes below 0.00001.

Submissions (6):

Color Diagnostics, LLC DBA Color Health
Classification: Uncertain significance for Hereditary cancer-predisposing syndrome. Last evaluated: 2025-11-24. Review status: criteria provided, single submitter. Criteria: ACMG Guidelines, 2015. Collection method: clinical testing. Allele origin: germline.
Comment: This missense variant replaces methionine with threonine at codon 1747 of the APC protein. Computational prediction suggests that this variant may not impact protein structure and function. APC is defined as a gene for which primarily truncating variants are known to cause disease (ClinGen HCCP VCEP). To our knowledge, functional studies have not been reported for this variant. This variant has not been reported in individuals affected with APC-related disorders in the literature. This variant has been identified in 1/1614120 chromosomes in the general population by the Genome Aggregation Database (gnomAD). The available evidence is insufficient to determine the role of this variant in disease conclusively. Therefore, this variant is classified as a Variant of Uncertain Significance.

Ambry Genetics
Classification: Uncertain significance for Hereditary cancer-predisposing syndrome. Last evaluated: 2025-05-17. Review status: criteria provided, single submitter. Criteria: Ambry Variant Classification Scheme 2023. Collection method: clinical testing. Allele origin: germline.
Comment: The p.M1747T variant (also known as c.5240T>C), located in coding exon 15 of the APC gene, results from a T to C substitution at nucleotide position 5240. The methionine at codon 1747 is replaced by threonine, an amino acid with similar properties. This amino acid position is well conserved in available vertebrate species. In addition, in silico predictors for this gene do not accurately predict pathogenicity. Since supporting evidence is limited at this time, the clinical significance of this alteration remains unclear.

Labcorp Genetics (formerly Invitae), Labcorp
Classification: Uncertain significance for Familial adenomatous polyposis 1. Last evaluated: 2025-01-06. Review status: criteria provided, single submitter. Criteria: Invitae Variant Classification Sherloc (09022015). Collection method: clinical testing. Allele origin: germline.
Comment: This sequence change replaces methionine, which is neutral and non-polar, with threonine, which is neutral and polar, at codon 1747 of the APC protein (p.Met1747Thr). This variant is not present in population databases (gnomAD no frequency). This variant has not been reported in the literature in individuals affected with APC-related conditions. ClinVar contains an entry for this variant (Variation ID: 221112). Invitae Evidence Modeling of protein sequence and biophysical properties (such as structural, functional, and spatial information, amino acid conservation, physicochemical variation, residue mobility, and thermodynamic stability) indicates that this missense variant is not expected to disrupt APC protein function with a negative predictive value of 95%. In summary, the available evidence is currently insufficient to determine the role of this variant in disease. Therefore, it has been classified as a Variant of Uncertain Significance.

All of Us Research Program, National Institutes of Health
Classification: Uncertain significance for Classic or attenuated familial adenomatous polyposis. Last evaluated: 2024-06-09. Review status: criteria provided, single submitter. Criteria: ACMG Guidelines, 2015. Collection method: clinical testing. Allele origin: germline. Inheritance: Autosomal dominant inheritance. Observed: 1 variant allele, 1 heterozygote.
Comment: This missense variant replaces methionine with threonine at codon 1747 of the APC protein. Computational prediction suggests that this variant may not impact protein structure and function (internally defined REVEL score threshold <= 0.5, PMID: 27666373). To our knowledge, functional studies have not been reported for this variant. This variant has not been reported in individuals affected with APC-related disorders in the literature. This variant has not been identified in the general population by the Genome Aggregation Database (gnomAD). The available evidence is insufficient to determine the role of this variant in disease conclusively. Therefore, this variant is classified as a Variant of Uncertain Significance.

This study involves interpretation of variants in research participants for the purpose of population health screening. Participant phenotype was not available at the time of variant classification. Additional details can be found in publication PMID: 35346344, PMCID: PMC8962531

Myriad Genetics, Inc.
Classification: Uncertain significance for Familial adenomatous polyposis 1. Last evaluated: 2023-02-15. Review status: criteria provided, single submitter. Criteria: Myriad Autosomal Dominant, Autosomal Recessive and X-Linked Classification Criteria (2023). Collection method: clinical testing. Allele origin: unknown.
Comment: This variant is classified as a variant of uncertain significance as there is insufficient evidence to determine its impact on protein function and/or cancer risk.

Counsyl
Classification: Uncertain significance for Familial adenomatous polyposis 1. Last evaluated: 2016-10-28. Review status: no assertion criteria provided. Collection method: clinical testing. Allele origin: unknown. Not counted in ClinVar's aggregate classification.